The following is an entry in ClinVar:

ClinVar aggregate classification (germline): Uncertain significance (1 of 4 stars; one submission).

Submission:

Ambry Genetics
Classification: Uncertain significance. Last evaluated: 2025-05-11. Review status: criteria provided, single submitter. Criteria: Ambry Variant Classification Scheme 2023. Collection method: clinical testing. Allele origin: germline.
Comment: The p.G145D variant (also known as c.434G>A), located in coding exon 3 of the GEN1 gene, results from a G to A substitution at nucleotide position 434. The glycine at codon 145 is replaced by aspartic acid, an amino acid with similar properties. This amino acid position is conserved. In addition, this alteration is predicted to be tolerated by in silico analysis. Based on the available evidence, the clinical significance of this variant remains unclear.

NM_001130009.3(GEN1):c.434G>A (p.Gly145Asp)

Gene: GEN1 (GEN1 Holliday junction 5' flap endonuclease; plus strand). Cytogenetic location: 2p24.2.
Variant type: single nucleotide variant.
Coding change: c.434G>A on transcript NM_001130009.3 (MANE Select); coding-DNA position 434, G replaced by A.
Protein change: p.Gly145Asp; replaces glycine 145 with aspartic acid.
Molecular consequence: missense variant.
Genome position (GRCh38, 1-based): chr2:17,764,982, G>A. VCF-style: chr2-17764982-G-A. GRCh37 (hg19) VCF-style: chr2-17946249-G-A.
Other names: c.434G>A, p.Gly145Asp (NM_182625.5); short protein forms G145D.
Identifiers: ClinVar variation 4029287 (VCV004029287.1).
Genomic context (GRCh38, chr2:17,764,982, plus strand): 5'-GAATCCCCTGGGTTCAGGCTGCTGGGGAAGCTGAAGCCATGTGTGCTTATCTCAATGCTG[G>A]TGGTCATGTCGATGGCTGCCTCACCAATGATGGAGATACTTTCCTTTATGGGGCCCAGAC-3'
Protein context (NP_001123481.3, residues 135-155): AEAMCAYLNA[Gly145Asp]GHVDGCLTND